The following is an entry in ClinVar:

ClinVar aggregate classification (germline): Benign/Likely benign. Review status: criteria provided, multiple submitters, no conflicts (2 of 4 stars). 34 submissions from 27 submitters: Benign (21); Likely benign (6). 7 of the submissions do not count toward it. Last evaluated 2026-02-03.

Conditions:
Cardiovascular phenotype. Identifiers: MedGen CN230736.
TTN-related myopathy. Identifiers: MedGen CN294812, MONDO:0100175.
Autosomal recessive limb-girdle muscular dystrophy type 2J (LGMDR10). Also called: Limb-girdle muscular dystrophy, type 2J; MUSCULAR DYSTROPHY, LIMB-GIRDLE, AUTOSOMAL RECESSIVE 10. Identifiers: Orphanet 140922, MedGen C1837342, MONDO:0012127, OMIM 608807.
Dilated cardiomyopathy 1G (CMD1G). Identifiers: Orphanet 154, MedGen C1858763, MONDO:0011400, OMIM 604145.
Hypertrophic cardiomyopathy 9. Also called: Familial hypertrophic cardiomyopathy 9. Identifiers: MedGen C1861065, MONDO:0013412, OMIM 613765.
Tibial muscular dystrophy (TMD). Also called: UDD MYOPATHY; Udd Distal Myopathy – Tibial Muscular Dystrophy; Tibial muscular dystrophy, tardive. Identifiers: Orphanet 609, MedGen C1838244, MONDO:0010870, OMIM 600334.
Early-onset myopathy with fatal cardiomyopathy (CMYO5). Also called: Salih Myopathy; CONGENITAL MYOPATHY 5 WITH CARDIOMYOPATHY. Identifiers: Orphanet 289377, MedGen C2673677, MONDO:0012714, OMIM 611705. Disease mechanism: loss of function.
Myopathy, myofibrillar, 9, with early respiratory failure (MFM9). Also called: Hereditary myopathy with early respiratory failure; EDSTROM MYOPATHY; MYOPATHY, PROXIMAL, WITH EARLY RESPIRATORY MUSCLE INVOLVEMENT; Myopathy, distal, with early respiratory failure, autosomal dominant. Identifiers: Orphanet 178464, Orphanet 34521, MedGen C1863599, MONDO:0011362, OMIM 603689.
Cardiomyopathy (CMYO). Also called: Cardiomyopathies. Identifiers: Orphanet 167848, MedGen C0878544, MONDO:0004994, HP:0001638. Inheritance: Various modes of inheritance.

Allele frequency attached by ClinVar (database versions not stated): 1000 Genomes Project 0.00359; 1000 Genomes Project 30x 0.00359; TOPMed 0.00877; ESP Exome Variant Server 0.01061; gnomAD 0.01231 and 0.01276; gnomAD exomes 0.01254; ExAC 0.01295.
gnomAD v4.1: 23,126 of 1,613,812 alleles (1.4%); highest among the groups gnomAD compares: Non-Finnish European, 1.6%; 247 homozygotes.

Submissions 1 to 18 of 34:

Labcorp Genetics (formerly Invitae), Labcorp
Classification: Benign for Dilated cardiomyopathy 1G; Autosomal recessive limb-girdle muscular dystrophy type 2J. Last evaluated: 2026-02-03. Review status: criteria provided, single submitter. Criteria: Invitae Variant Classification Sherloc (09022015). Collection method: clinical testing. Allele origin: germline.

ARUP Laboratories, Molecular Genetics and Genomics, ARUP Laboratories
Classification: Benign. Last evaluated: 2025-04-16. Review status: criteria provided, single submitter. Criteria: ARUP Molecular Germline Variant Investigation Process 2024. Collection method: clinical testing. Allele origin: germline.

Molecular Diagnostic Laboratory for Inherited Cardiovascular Disease, Montreal Heart Institute
Classification: Likely benign. Last evaluated: 2025-04-09. Review status: criteria provided, single submitter. Criteria: ACMG Guidelines, 2015. Collection method: clinical testing. Allele origin: germline. Affected: no.

Blueprint Genetics
Classification: Likely benign. Last evaluated: 2024-11-26. Review status: criteria provided, single submitter. Criteria: ACMG Guidelines, 2015. Collection method: clinical testing. Allele origin: germline.

Mayo Clinic Laboratories, Mayo Clinic
Classification: Benign. Last evaluated: 2024-06-26. Review status: criteria provided, single submitter. Criteria: ACMG Guidelines, 2015. Collection method: clinical testing. Allele origin: germline. Observed: 61 variant alleles.
Comment: BS1, BS2, BP4

Athena Diagnostics
Classification: Benign. Last evaluated: 2023-11-08. Review status: criteria provided, single submitter. Criteria: Athena Diagnostics Criteria. Collection method: clinical testing. Allele origin: unknown.

Department of Pathology and Laboratory Medicine, Sinai Health System
Classification: Benign for Tibial muscular dystrophy; Myopathy, myofibrillar, 9, with early respiratory failure; Dilated cardiomyopathy 1G; Autosomal recessive limb-girdle muscular dystrophy type 2J; Early-onset myopathy with fatal cardiomyopathy; Hypertrophic cardiomyopathy 9. Last evaluated: 2023-06-20. Review status: criteria provided, single submitter. Criteria: ACMG Guidelines, 2015. Collection method: research. Allele origin: germline.

Molecular Genetics, Royal Melbourne Hospital
Classification: Benign for TTN-related myopathy. Last evaluated: 2023-05-04. Review status: criteria provided, single submitter. Criteria: ACMG Guidelines, 2015. Collection method: clinical testing. Allele origin: germline. Affected: yes.
Comment: European non-finish population allele frequency is 1.638% (rs68080670, 2,260/128,102 alleles, 23 homozygotes in gnomAD v2.1). Based on the classification scheme RMH Modified ACMG/AMP Guidelines v1.5.1, this variant is classified as BENIGN. Following criteria are met: BA1

Fulgent Genetics
Classification: Benign for Tibial muscular dystrophy; Myopathy, myofibrillar, 9, with early respiratory failure; Dilated cardiomyopathy 1G; Autosomal recessive limb-girdle muscular dystrophy type 2J; Early-onset myopathy with fatal cardiomyopathy; Hypertrophic cardiomyopathy 9. Last evaluated: 2022-04-17. Review status: criteria provided, single submitter. Criteria: ACMG Guidelines, 2015. Collection method: clinical testing. Allele origin: unknown.

Genetic Services Laboratory, University of Chicago
Classification: Benign. Last evaluated: 2021-12-09. Review status: criteria provided, single submitter. Criteria: ACMG Guidelines, 2015. Collection method: clinical testing. Allele origin: germline. Affected: no.

Genome-Nilou Lab
Classification: Benign for Autosomal recessive limb-girdle muscular dystrophy type 2J. Last evaluated: 2021-09-10. Review status: criteria provided, single submitter. Criteria: ACMG Guidelines, 2015. Collection method: clinical testing. Allele origin: germline. Affected: no.

Genome-Nilou Lab
Classification: Benign for Myopathy, myofibrillar, 9, with early respiratory failure. Last evaluated: 2021-09-10. Review status: criteria provided, single submitter. Criteria: ACMG Guidelines, 2015. Collection method: clinical testing. Allele origin: germline. Affected: no.

Genome-Nilou Lab
Classification: Benign for Early-onset myopathy with fatal cardiomyopathy. Last evaluated: 2021-09-10. Review status: criteria provided, single submitter. Criteria: ACMG Guidelines, 2015. Collection method: clinical testing. Allele origin: germline. Affected: no.

Genome-Nilou Lab
Classification: Benign for Tibial muscular dystrophy. Last evaluated: 2021-09-10. Review status: criteria provided, single submitter. Criteria: ACMG Guidelines, 2015. Collection method: clinical testing. Allele origin: germline. Affected: no.

CHEO Genetics Diagnostic Laboratory, Children's Hospital of Eastern Ontario
Classification: Benign for Cardiomyopathy. Last evaluated: 2020-07-14. Review status: criteria provided, single submitter. Criteria: ACMG Guidelines, 2015. Collection method: clinical testing. Allele origin: germline.

Women's Health and Genetics/Laboratory Corporation of America, LabCorp
Classification: Benign. Last evaluated: 2020-04-06. Review status: criteria provided, single submitter. Criteria: LabCorp Variant Classification Summary - May 2015. Collection method: clinical testing. Allele origin: germline.
Comment: Variant summary: TTN c.96872G>A (p.Arg32291Gln) results in a conservative amino acid change located in the M-band region of the encoded protein sequence. Three of five in-silico tools predict a damaging effect of the variant on protein function. The variant allele was found at a frequency of 0.013 in 248790 control chromosomes in the gnomAD database, including 37 homozygotes. The observed variant frequency is approximately 20-fold the estimated maximal expected allele frequency for a pathogenic variant in TTN causing Cardiomyopathy phenotype (0.00063), strongly suggesting that the variant is benign. To our knowledge, no occurrence of c.96872G>A in individuals affected with Cardiomyopathy and no experimental evidence demonstrating its impact on protein function have been reported. Five clinical diagnostic laboratories have submitted clinical-significance assessments for this variant to ClinVar after 2014 without evidence for independent evaluation. They have cited the variant with conflicting assessments (benign, n=3; likely benign, n=1; likely pathogenic, n=1). Based on the evidence outlined above, the variant was classified as benign.

Ambry Genetics
Classification: Benign for Cardiovascular phenotype. Last evaluated: 2019-02-07. Review status: criteria provided, single submitter. Criteria: Ambry Autosomal Dominant and X-Linked criteria (3/2017). Collection method: clinical testing. Allele origin: germline. Observed: 1 variant allele.

Illumina Laboratory Services, Illumina
Classification: Benign for Myopathy, myofibrillar, 9, with early respiratory failure. Last evaluated: 2018-01-12. Review status: criteria provided, single submitter. Criteria: ICSL Variant Classification Criteria 13 December 2019. Collection method: clinical testing. Allele origin: germline.
Comment: This variant was observed in the ICSL laboratory as part of a predisposition screen in an ostensibly healthy population. It had not been previously curated by ICSL or reported in the Human Gene Mutation Database (HGMD: prior to June 1st, 2018), and was therefore a candidate for classification through an automated scoring system. Utilizing variant allele frequency, disease prevalence and penetrance estimates, and inheritance mode, an automated score was calculated to assess if this variant is too frequent to cause the disease. Based on the score and internal cut-off values, a variant classified as benign is not then subjected to further curation. The score for this variant resulted in a classification of benign for this disease.

NM_001267550.2(TTN):c.104576G>A (p.Arg34859Gln)

Genes: TTN (titin; minus strand), TTN-AS1 (TTN antisense RNA 1; plus strand). Cytogenetic location: 2q31.2.
Variant type: single nucleotide variant.
Coding change: c.104576G>A on transcript NM_001267550.2 (MANE Select); coding-DNA position 104576, G replaced by A.
Protein change: p.Arg34859Gln; replaces arginine 34859 with glutamine.
Molecular consequence: missense variant.
Genome position (GRCh38, 1-based): chr2:178,532,039, C>T on the plus strand (G>A on the coding strand, the complement: TTN is on the minus strand). VCF-style: chr2-178532039-C-T. GRCh37 (hg19) VCF-style: chr2-179396766-C-T.
Other names: p.R32291Q:CGG>CAG; p.Arg33218Gln; c.104576G>A (NM_001267550.1); c.99653G>A, p.Arg33218Gln (NM_001256850.1); c.96872G>A, p.Arg32291Gln (NM_133378.4); c.77381G>A, p.Arg25794Gln (NM_003319.4); c.77756G>A, p.Arg25919Gln (NM_133432.3); c.77957G>A, p.Arg25986Gln (NM_133437.4); short protein forms R34859Q, R32291Q, R33218Q, R25919Q, R25794Q, R25986Q.
Identifiers: ClinVar variation 47675 (VCV000047675.54), dbSNP rs68080670, ClinGen allele CA284291.